The following is an entry in ClinVar:

ClinVar aggregate classification (germline): Conflicting classifications of pathogenicity. Review status: criteria provided, conflicting classifications (1 of 4 stars). 2 submissions from 2 submitters: Likely pathogenic (1); Uncertain significance (1). Last evaluated 2026-01-23.

Conditions:
USH2A-related disorder. Also called: USH2A-related condition; USH2A-related disorders. Identifiers: MedGen CN239332.

Allele frequency attached by ClinVar (database versions not stated): ExAC 0.00001; gnomAD exomes 0.00001.
gnomAD v4.1: 6 of 1,614,076 alleles (0.00037%); highest among the groups gnomAD compares: Admixed American, 0.0017%; no homozygotes.

Submissions (2):

Myriad Genetics, Inc.
Classification: Uncertain significance for USH2A-related disorder. Last evaluated: 2026-01-23. Review status: criteria provided, single submitter. Criteria: Myriad Autosomal Dominant, Autosomal Recessive and X-Linked Classification Criteria (2023). Collection method: clinical testing. Allele origin: unknown.
Comment: NM_206933.2(USH2A):c.9880T>A(C3294S) is a missense variant classified as a variant of uncertain significance in the context of USH2A-related disorders. C3294S has been observed in cases with relevant disease (PMID: 39062705, 38927562). Relevant functional assessments of this variant are not available in the literature. C3294S has been observed in referenced population frequency databases. In summary, there is insufficient evidence to classify NM_206933.2(USH2A):c.9880T>A(C3294S) as pathogenic or benign. Please note: this variant was assessed in the context of healthy population screening.

Labcorp Genetics (formerly Invitae), Labcorp
Classification: Likely pathogenic. Last evaluated: 2025-06-14. Review status: criteria provided, single submitter. Criteria: Invitae Variant Classification Sherloc (09022015). Collection method: clinical testing. Allele origin: germline.
Comment: This sequence change replaces cysteine, which is neutral and slightly polar, with serine, which is neutral and polar, at codon 3294 of the USH2A protein (p.Cys3294Ser). This variant is present in population databases (rs768097820, gnomAD 0.003%). This variant has not been reported in the literature in individuals affected with USH2A-related conditions. ClinVar contains an entry for this variant (Variation ID: 2796780). Invitae Evidence Modeling of protein sequence and biophysical properties (such as structural, functional, and spatial information, amino acid conservation, physicochemical variation, residue mobility, and thermodynamic stability) indicates that this missense variant is expected to disrupt USH2A protein function with a positive predictive value of 95%. This variant disrupts the p.Cys3294 amino acid residue in USH2A. Other variant(s) that disrupt this residue have been determined to be pathogenic (PMID: 24043777, 28041643, 28130426). This suggests that this residue is clinically significant, and that variants that disrupt this residue are likely to be disease-causing. In summary, the currently available evidence indicates that the variant is pathogenic, but additional data are needed to prove that conclusively. Therefore, this variant has been classified as Likely Pathogenic.

Literature cited by the submitters: PubMed 38927562 (cited by Myriad Genetics, Inc.); PubMed 39062705 (cited by Myriad Genetics, Inc.); PubMed 24043777 (cited by Labcorp Genetics (formerly Invitae), Labcorp); PubMed 28041643 (cited by Labcorp Genetics (formerly Invitae), Labcorp); PubMed 28130426 (cited by Labcorp Genetics (formerly Invitae), Labcorp).

NM_206933.4(USH2A):c.9880T>A (p.Cys3294Ser)

Gene: USH2A (usherin; minus strand). Cytogenetic location: 1q41.
Variant type: single nucleotide variant.
Coding change: c.9880T>A on transcript NM_206933.4 (MANE Select); coding-DNA position 9880, T replaced by A.
Protein change: p.Cys3294Ser; replaces cysteine 3294 with serine.
Molecular consequence: missense variant.
Genome position (GRCh38, 1-based): chr1:215,798,985, A>T on the plus strand (T>A on the coding strand, the complement: USH2A is on the minus strand). VCF-style: chr1-215798985-A-T. GRCh37 (hg19) VCF-style: chr1-215972327-A-T.
Other names: short protein forms C3294S.
Identifiers: ClinVar variation 2796780 (VCV002796780.4), dbSNP rs768097820, ClinGen allele CA1394190.